The following is an entry in ClinVar:

NM_145207.3(AFG2A):c.767T>C (p.Ile256Thr)

Gene: AFG2A (AAA ATPase AFG2A; plus strand). Cytogenetic location: 4q28.1.
Variant type: single nucleotide variant.
Coding change: c.767T>C on transcript NM_145207.3 (MANE Select); coding-DNA position 767, T replaced by C.
Protein change: p.Ile256Thr; replaces isoleucine 256 with threonine.
Molecular consequence: missense variant.
Genome position (GRCh38, 1-based): chr4:122,934,358, T>C. VCF-style: chr4-122934358-T-C. GRCh37 (hg19) VCF-style: chr4-123855513-T-C.
Other names: p.Ile256Thr; c.764T>C, p.Ile255Thr (NM_001317799.2, NM_001345856.2); short protein forms I256T, I255T.
Identifiers: ClinVar variation 475734 (VCV000475734.46), dbSNP rs55643281, ClinGen allele CA3070315.

ClinVar aggregate classification (germline): Benign. Review status: criteria provided, multiple submitters, no conflicts (2 of 4 stars). 6 submissions from 6 submitters: Benign (5). 1 of the submissions does not count toward it. Last evaluated 2026-02-03.

Conditions:
AFG2A-related disorder. Also called: AFG2A-related condition.
Microcephaly-intellectual disability-sensorineural hearing loss-epilepsy-abnormal muscle tone syndrome (NEDHSB). Also called: NEURODEVELOPMENTAL DISORDER WITH HEARING LOSS, SEIZURES, AND BRAIN ABNORMALITIES. Identifiers: Orphanet 457351, MedGen C4225276, MONDO:0014698, OMIM 616577.

Allele frequency attached by ClinVar (database versions not stated): 1000 Genomes Project 30x 0.00531; 1000 Genomes Project 0.00559; gnomAD 0.00910 and 0.00937; ExAC 0.00916; gnomAD exomes 0.00916 and 0.01315; TOPMed 0.00920; ESP Exome Variant Server 0.01199.
gnomAD v4.1: 20,589 of 1,614,192 alleles (1.3%); highest among the groups gnomAD compares: Non-Finnish European, 1.5%; 179 homozygotes.

Submissions (6):

Labcorp Genetics (formerly Invitae), Labcorp
Classification: Benign for Microcephaly-intellectual disability-sensorineural hearing loss-epilepsy-abnormal muscle tone syndrome. Last evaluated: 2026-02-03. Review status: criteria provided, single submitter. Criteria: Invitae Variant Classification Sherloc (09022015). Collection method: clinical testing. Allele origin: germline.

Athena Diagnostics
Classification: Benign. Last evaluated: 2024-07-31. Review status: criteria provided, single submitter. Criteria: Athena Diagnostics Criteria. Collection method: clinical testing. Allele origin: unknown.

CeGaT Center for Human Genetics Tuebingen
Classification: Benign. Last evaluated: 2024-05-01. Review status: criteria provided, single submitter. Criteria: CeGaT Center For Human Genetics Tuebingen Variant Classification Criteria Version 2. Collection method: clinical testing. Allele origin: germline. Affected: yes. Observed: 32 variant alleles.
Comment: AFG2A: BP4, BS1, BS2

Mayo Clinic Laboratories, Mayo Clinic
Classification: Benign. Last evaluated: 2022-08-11. Review status: criteria provided, single submitter. Criteria: ACMG Guidelines, 2015. Collection method: clinical testing. Allele origin: germline. Observed: 10 variant alleles.
Comment: BS1, BS2, BP4

GeneDx
Classification: Benign. Last evaluated: 2018-08-06. Review status: criteria provided, single submitter. Criteria: GeneDx Variant Classification Process June 2021. Collection method: clinical testing. Allele origin: germline. Affected: yes.

PreventionGenetics, part of Exact Sciences
Classification: Benign for AFG2A-related condition. Last evaluated: 2019-03-08. Review status: no assertion criteria provided. Collection method: clinical testing. Allele origin: germline. Not counted in ClinVar's aggregate classification.
Comment: This variant is classified as benign based on ACMG/AMP sequence variant interpretation guidelines (Richards et al. 2015 PMID: 25741868, with internal and published modifications).